The following is an entry in ClinVar:

NM_004168.4(SDHA):c.841A>C (p.Thr281Pro)

Gene: SDHA (succinate dehydrogenase complex flavoprotein subunit A; plus strand). Cytogenetic location: 5p15.33.
Variant type: single nucleotide variant.
Coding change: c.841A>C on transcript NM_004168.4 (MANE Select); coding-DNA position 841, A replaced by C.
Protein change: p.Thr281Pro; replaces threonine 281 with proline.
Molecular consequence: missense variant.
Genome position (GRCh38, 1-based): chr5:230,946, A>C. VCF-style: chr5-230946-A-C. GRCh37 (hg19) VCF-style: chr5-231061-A-C.
Other names: c.697A>C, p.Thr233Pro (NM_001294332.2); c.841A>C, p.Thr281Pro (NM_001330758.2); short protein forms T233P, T281P.
Identifiers: ClinVar variation 2562378 (VCV002562378.5), dbSNP rs772325115, ClinGen allele CA359011794.

ClinVar aggregate classification (germline): Uncertain significance. Review status: criteria provided, multiple submitters, no conflicts (2 of 4 stars). 3 submissions from 3 submitters: Uncertain significance (3). Last evaluated 2024-08-12.

Conditions:
Mitochondrial complex II deficiency, nuclear type 1. Also called: SUCCINATE CoQ REDUCTASE DEFICIENCY. Identifiers: Orphanet 3208, MedGen C5700310, MONDO:0100294, OMIM 252011.
Pheochromocytoma/paraganglioma syndrome 5. Also called: Paragangliomas 5; SDHA-Related Hereditary Paraganglioma-Pheochromocytoma Syndrome. Identifiers: Orphanet 29072, MedGen C3279992, MONDO:0013602, OMIM 614165.
Dilated cardiomyopathy 1GG (CMD1GG). Identifiers: Orphanet 154, MedGen C3150898, MONDO:0013339, OMIM 613642.
Hereditary cancer-predisposing syndrome. Also called: Neoplastic Syndromes, Hereditary; Tumor predisposition; Hereditary Cancer Syndrome; Hereditary neoplastic syndrome. Identifiers: Orphanet 140162, MedGen C0027672, MeSH D009386, MONDO:0015356.

Submissions (3):

Labcorp Genetics (formerly Invitae), Labcorp
Classification: Uncertain significance for Pheochromocytoma/paraganglioma syndrome 5; Mitochondrial complex II deficiency, nuclear type 1. Last evaluated: 2024-08-12. Review status: criteria provided, single submitter. Criteria: Invitae Variant Classification Sherloc (09022015). Collection method: clinical testing. Allele origin: germline.
Comment: This sequence change replaces threonine, which is neutral and polar, with proline, which is neutral and non-polar, at codon 281 of the SDHA protein (p.Thr281Pro). This variant is not present in population databases (gnomAD no frequency). This variant has not been reported in the literature in individuals affected with SDHA-related conditions. ClinVar contains an entry for this variant (Variation ID: 2562378). Advanced modeling of protein sequence and biophysical properties (such as structural, functional, and spatial information, amino acid conservation, physicochemical variation, residue mobility, and thermodynamic stability) performed at Invitae indicates that this missense variant is not expected to disrupt SDHA protein function with a negative predictive value of 95%. In summary, the available evidence is currently insufficient to determine the role of this variant in disease. Therefore, it has been classified as a Variant of Uncertain Significance.

Baylor Genetics
Classification: Uncertain significance for Dilated cardiomyopathy 1GG. Last evaluated: 2024-03-04. Review status: criteria provided, single submitter. Criteria: ACMG Guidelines, 2015. Collection method: clinical testing. Allele origin: unknown.

Ambry Genetics
Classification: Uncertain significance for Hereditary cancer-predisposing syndrome. Last evaluated: 2023-04-22. Review status: criteria provided, single submitter. Criteria: Ambry Variant Classification Scheme 2023. Collection method: clinical testing. Allele origin: germline.
Comment: The p.T281P variant (also known as c.841A>C), located in coding exon 7 of the SDHA gene, results from an A to C substitution at nucleotide position 841. The threonine at codon 281 is replaced by proline, an amino acid with highly similar properties. This amino acid position is conserved. In addition, this alteration is predicted to be deleterious by in silico analysis. Since supporting evidence is limited at this time, the clinical significance of this alteration remains unclear.